The following is an entry in ClinVar:

ClinVar aggregate classification (germline): Uncertain significance. Review status: criteria provided, multiple submitters, no conflicts (2 of 4 stars). 3 submissions from 3 submitters: Uncertain significance (3). Last evaluated 2023-03-22.

Conditions:
Hereditary cancer-predisposing syndrome. Also called: Neoplastic Syndromes, Hereditary; Hereditary Cancer Syndrome; Hereditary neoplastic syndrome; Tumor predisposition. Identifiers: Orphanet 140162, MedGen C0027672, MeSH D009386, MONDO:0015356.
Microcephaly, normal intelligence and immunodeficiency (NBS). Also called: Microcephaly with normal intelligence immunodeficiency and lymphoreticular malignancies; Nonsyndromal microcephaly autosomal recessive with normal intelligence; Seemanova syndrome 2; Immunodeficiency, microcephaly with normal intelligence; SEEMANOVA SYNDROME II; Ataxia telangiectasia variant V1. Identifiers: Orphanet 647, MedGen C0398791, MONDO:0009623, OMIM 251260.

gnomAD v4.1: 1 of 1,614,030 alleles (0.000062%); highest among the groups gnomAD compares: Non-Finnish European, 0.000085%; no homozygotes.

Submissions (3):

Ambry Genetics
Classification: Uncertain significance for Hereditary cancer-predisposing syndrome. Last evaluated: 2023-03-22. Review status: criteria provided, single submitter. Criteria: Ambry Variant Classification Scheme 2023. Collection method: clinical testing. Allele origin: germline.
Comment: The p.I41V variant (also known as c.121A>G), located in coding exon 2 of the NBN gene, results from an A to G substitution at nucleotide position 121. The isoleucine at codon 41 is replaced by valine, an amino acid with highly similar properties. This amino acid position is well conserved in available vertebrate species. In addition, this alteration is predicted to be tolerated by in silico analysis. Since supporting evidence is limited at this time, the clinical significance of this alteration remains unclear.

Genome-Nilou Lab
Classification: Uncertain significance for Microcephaly, normal intelligence and immunodeficiency. Last evaluated: 2021-11-07. Review status: criteria provided, single submitter. Criteria: ACMG Guidelines, 2015. Collection method: clinical testing. Allele origin: germline. Affected: no.

Labcorp Genetics (formerly Invitae), Labcorp
Classification: Uncertain significance for Microcephaly, normal intelligence and immunodeficiency. Last evaluated: 2021-08-24. Review status: criteria provided, single submitter. Criteria: Invitae Variant Classification Sherloc (09022015). Collection method: clinical testing. Allele origin: germline.
Comment: This sequence change replaces isoleucine with valine at codon 41 of the NBN protein (p.Ile41Val). The isoleucine residue is highly conserved and there is a small physicochemical difference between isoleucine and valine. This variant is not present in population databases (ExAC no frequency). This variant has not been reported in the literature in individuals affected with NBN-related conditions. Algorithms developed to predict the effect of missense changes on protein structure and function output the following: SIFT: "Deleterious"; PolyPhen-2: "Possibly Damaging"; Align-GVGD: "Class C0". The valine amino acid residue is found in multiple mammalian species, which suggests that this missense change does not adversely affect protein function. Algorithms developed to predict the effect of sequence changes on RNA splicing suggest that this variant may create or strengthen a splice site. In summary, the available evidence is currently insufficient to determine the role of this variant in disease. Therefore, it has been classified as a Variant of Uncertain Significance.

NM_002485.5(NBN):c.121A>G (p.Ile41Val)

Gene: NBN (nibrin; minus strand). Cytogenetic location: 8q21.3.
Variant type: single nucleotide variant.
Coding change: c.121A>G on transcript NM_002485.5 (MANE Select); coding-DNA position 121, A replaced by G.
Protein change: p.Ile41Val; replaces isoleucine 41 with valine.
Molecular consequence: missense variant. On other transcripts: 5 prime UTR variant (1).
Genome position (GRCh38, 1-based): chr8:89,982,772, T>C on the plus strand (A>G on the coding strand, the complement: NBN is on the minus strand). VCF-style: chr8-89982772-T-C. GRCh37 (hg19) VCF-style: chr8-90995000-T-C.
Other names: c.-176A>G (NM_001024688.3); short protein forms I41V.
Identifiers: ClinVar variation 853060 (VCV000853060.16), dbSNP rs1563584220, ClinGen allele CA371663114.
Genomic context (GRCh38, chr8:89,982,772, plus strand): 5'-AGTAACATACCAGGTTGGTTACAGAAAAGTTAGCAGTTAACACAGCATGATTTCGGCTGA[T>C]CGACTGATCATTTTCAATCAGAATGGCACAGTTTTTCCTTCCAACAACGTACTCAACGCC-3'
Protein context (NP_002476.2, residues 31-51): CAILIENDQS[Ile41Val]SRNHAVLTAN